The following is an entry in ClinVar:

NM_004281.4(BAG3):c.1145C>T (p.Ala382Val)

Gene: BAG3 (BAG cochaperone 3; plus strand). Cytogenetic location: 10q26.11.
Variant type: single nucleotide variant.
Coding change: c.1145C>T on transcript NM_004281.4 (MANE Select); coding-DNA position 1145, C replaced by T.
Protein change: p.Ala382Val; replaces alanine 382 with valine.
Molecular consequence: missense variant.
Genome position (GRCh38, 1-based): chr10:119,676,699, C>T. VCF-style: chr10-119676699-C-T. GRCh37 (hg19) VCF-style: chr10-121436211-C-T.
Other names: short protein forms A382V.
Identifiers: ClinVar variation 4192185 (VCV004192185.2).

ClinVar aggregate classification (germline): Uncertain significance. Review status: criteria provided, multiple submitters, no conflicts (2 of 4 stars). 2 submissions from 2 submitters: Uncertain significance (2). Last evaluated 2026-01-14.

Conditions:
Dilated cardiomyopathy 1HH (CMD1HH). Identifiers: Orphanet 154, MedGen C3151293, MONDO:0013479, OMIM 613881.
Myofibrillar myopathy 6. Identifiers: Orphanet 199340, MedGen C2751831, MONDO:0013061, OMIM 612954.
Cardiovascular phenotype. Identifiers: MedGen CN230736.

Submissions (2):

Labcorp Genetics (formerly Invitae), Labcorp
Classification: Uncertain significance for Dilated cardiomyopathy 1HH; Myofibrillar myopathy 6. Last evaluated: 2026-01-14. Review status: criteria provided, single submitter. Criteria: Invitae Variant Classification Sherloc (09022015). Collection method: clinical testing. Allele origin: germline.
Comment: This sequence change replaces alanine, which is neutral and non-polar, with valine, which is neutral and non-polar, at codon 382 of the BAG3 protein (p.Ala382Val). This variant is not present in population databases (gnomAD no frequency). This variant has not been reported in the literature in individuals affected with BAG3-related conditions. ClinVar contains an entry for this variant (Variation ID: 4192185). Invitae Evidence Modeling of protein sequence and biophysical properties (such as structural, functional, and spatial information, amino acid conservation, physicochemical variation, residue mobility, and thermodynamic stability) indicates that this missense variant is not expected to disrupt BAG3 protein function with a negative predictive value of 80%. In summary, the available evidence is currently insufficient to determine the role of this variant in disease. Therefore, it has been classified as a Variant of Uncertain Significance.

Ambry Genetics
Classification: Uncertain significance for Cardiovascular phenotype. Last evaluated: 2025-08-20. Review status: criteria provided, single submitter. Criteria: Ambry Variant Classification Scheme 2023. Collection method: clinical testing. Allele origin: germline.